The following is an entry in ClinVar:

NM_025136.4(OPA3):c.439_440del (p.Gly147fs)

Genes: OPA3 (outer mitochondrial membrane lipid metabolism regulator OPA3; minus strand), OPA3-RTN2 (OPA3-RTN2 readthrough; minus strand). Cytogenetic location: 19q13.32.
Variant type: Deletion.
Coding change: c.439_440del on transcript NM_025136.4 (MANE Select); coding-DNA positions 439 to 440, 2 bases deleted (GG; older notation c.439_440delGG).
Protein change: p.Gly147fs; shifts the reading frame from glycine 147.
Molecular consequence: frameshift variant. On other transcripts: intron variant (1).
Genome position (GRCh38, 1-based): chr19:45,553,614-45,553,615, CC deleted on the plus strand (GG on the coding strand, the reverse complement: OPA3 is on the minus strand); deleting any 2 consecutive bases within chr19:45,553,614-45,553,616 gives the same sequence; the c. name uses the placement nearest the transcript's 3' end. VCF-style (leftmost placement, unchanged base first): chr19-45553613-GCC-G. GRCh37 (hg19) VCF-style: chr19-46056871-GCC-G.
Other names: c.143-24159_143-24158del (NM_001017989.3); c.439_440delGG (NM_025136.3); short protein forms G147fs.
Identifiers: ClinVar variation 2683843 (VCV002683843.7), dbSNP rs1425399743, ClinGen allele CA633481128.

ClinVar aggregate classification (germline): Conflicting classifications of pathogenicity. Review status: criteria provided, conflicting classifications (1 of 4 stars). 3 submissions from 3 submitters: Likely pathogenic (1); Uncertain significance (2). Last evaluated 2025-12-15.

Conditions:
3-Methylglutaconic aciduria type 3 (MGCA3). Also called: OPA3, AUTOSOMAL RECESSIVE; OPTIC ATROPHY 3, AUTOSOMAL RECESSIVE; Costeff Syndrome; OPA3-Related 3-Methylglutaconic Aciduria. Identifiers: Orphanet 67047, MedGen C0574084, MONDO:0009787, OMIM 258501.
Optic atrophy 3 (OPA3). Also called: OPTIC ATROPHY 3, AUTOSOMAL DOMINANT; Optic atrophy, cataract, and neurologic disorder; Optic atrophy 3 with cataract. Identifiers: Orphanet 67036, MedGen C1833809, MONDO:0008133, OMIM 165300.
3-Methylglutaconic aciduria. Identifiers: Orphanet 289902, MedGen C3696376, MONDO:0017359, HP:0003535.

Submissions (3):

Natera, Inc.
Classification: Likely pathogenic for 3-methylglutaconic aciduria type 3. Last evaluated: 2025-12-15. Review status: criteria provided, single submitter. Criteria: Natera Variant Classification Schema (03/2026). Collection method: clinical testing. Allele origin: germline.
Comment: The c.439_440delGG variant in OPA3 is a frameshift variant predicted to elongate the protein beyond the termination codon. This variant is expected to result in nonsense mediated decay, truncation, or a dysfunctional protein product. This variant is rare in the general population with a frequency below the threshold expected for the associated phenotype(s). Given the available evidence, this variant is classified as Likely Pathogenic.

Labcorp Genetics (formerly Invitae), Labcorp
Classification: Uncertain significance for 3-Methylglutaconic aciduria type 3; Optic atrophy 3. Last evaluated: 2022-11-17. Review status: criteria provided, single submitter. Criteria: Invitae Variant Classification Sherloc (09022015). Collection method: clinical testing. Allele origin: germline.
Comment: This variant is present in population databases (no rsID available, gnomAD 0.001%). This variant has not been reported in the literature in individuals affected with OPA3-related conditions. In summary, the available evidence is currently insufficient to determine the role of this variant in disease. Therefore, it has been classified as a Variant of Uncertain Significance. This sequence change creates a premature translational stop signal (p.Gly147Argfs*49) in the OPA3 gene. While this is not anticipated to result in nonsense mediated decay, it is expected to disrupt the last 33 amino acid(s) of the OPA3 protein.

Blueprint Genetics
Classification: Uncertain significance. Last evaluated: 2019-01-08. Review status: criteria provided, single submitter. Criteria: ACMG Guidelines, 2015. Collection method: clinical testing. Allele origin: germline.